The following is an entry in ClinVar:

NM_000222.3(KIT):c.2458G>T (p.Asp820Tyr)

Gene: KIT (KIT proto-oncogene, receptor tyrosine kinase; plus strand). Cytogenetic location: 4q12.
Variant type: single nucleotide variant.
Coding change: c.2458G>T on transcript NM_000222.3 (MANE Select); coding-DNA position 2458, G replaced by T.
Protein change: p.Asp820Tyr; replaces aspartic acid 820 with tyrosine.
Molecular consequence: missense variant.
Genome position (GRCh38, 1-based): chr4:54,733,166, G>T. VCF-style: chr4-54733166-G-T. GRCh37 (hg19) VCF-style: chr4-55599332-G-T.
Other names: c.2446G>T, p.Asp816Tyr (NM_001093772.2, NM_001385292.1); c.2461G>T, p.Asp821Tyr (NM_001385284.1); c.2455G>T, p.Asp819Tyr (NM_001385285.1); c.2443G>T, p.Asp815Tyr (NM_001385286.1); c.2449G>T, p.Asp817Tyr (NM_001385288.1); c.2458G>T, p.Asp820Tyr (NM_001385290.1); c.2458G>T (NM_000222.2); short protein forms D820Y, D816Y, D815Y, D817Y, D819Y, D821Y.
Identifiers: ClinVar variation 375928 (VCV000375928.7), dbSNP rs1057519710, ClinGen allele CA16602408.
Genomic context (GRCh38, chr4:54,733,166, plus strand): 5'-CTTACTCATGGTCGGATCACAAAGATTTGTGATTTTGGTCTAGCCAGAGACATCAAGAAT[G>T]ATTCTAATTATGTGGTTAAAGGAAACGTGAGTACCCATTCTCTGCTTGACAGTCCTGCAA-3'
Protein context (NP_000213.1, residues 810-830): DFGLARDIKN[Asp820Tyr]SNYVVKGNAR

ClinVar aggregate classification (germline): Pathogenic. Review status: criteria provided, multiple submitters, no conflicts (2 of 4 stars). 3 submissions from 3 submitters: Pathogenic (3). Last evaluated 2025-02-04.

Conditions:
Gastrointestinal stromal tumor. Also called: Gastrointestinal stromal tumor, somatic; Gastrointestinal stroma tumor. Identifiers: Orphanet 44890, MedGen C0238198, MeSH D046152, MONDO:0011719, OMIM 606764, HP:0100723.
Hereditary cancer-predisposing syndrome. Also called: Neoplastic Syndromes, Hereditary; Hereditary Cancer Syndrome; Hereditary neoplastic syndrome; Tumor predisposition. Identifiers: Orphanet 140162, MedGen C0027672, MeSH D009386, MONDO:0015356.

Submissions (3):

Department of Clinical Genetics, Copenhagen University Hospital, Rigshospitalet
Classification: Pathogenic for Gastrointestinal stromal tumor. Last evaluated: 2025-02-04. Review status: criteria provided, single submitter. Criteria: ACMG Guidelines, 2015. Collection method: clinical testing. Allele origin: germline.
Comment: The following ACMG criteria have been used in classification: PM2_SUP; PP3; PS4; PP1; PS3

Ambry Genetics
Classification: Pathogenic for Hereditary cancer-predisposing syndrome. Last evaluated: 2024-09-14. Review status: criteria provided, single submitter. Criteria: Ambry Variant Classification Scheme 2023. Collection method: clinical testing. Allele origin: germline.
Comment: The p.D820Y pathogenic mutation (also known as c.2458G>T), located in coding exon 17 of the KIT gene, results from a G to T substitution at nucleotide position 2458. The aspartic acid at codon 820 is replaced by tyrosine, an amino acid with highly dissimilar properties. This variant has been identified in multiple individuals and families with features consistent with KIT-related gastrointestinal stromal tumor syndrome (Veiga I et al. Genes Chromosomes Cancer, 2010 Feb;49:91-8; Sekido Y et al. Anticancer Res, 2017 Mar;37:1425-1431; Arima J et al. Gastric Cancer, 2020 Jul;23:760-764; Ambry internal data) and segregated with disease in at least two families (O'Riain C et al. Am J Surg Pathol, 2005 Dec;29:1680-3; Hirota S et al. Gastroenterology, 2002 May;122:1493-9). This variant is considered to be rare based on population cohorts in the Genome Aggregation Database (gnomAD). This amino acid position is highly conserved in available vertebrate species. In addition, this alteration is predicted to be deleterious by in silico analysis. Based on the supporting evidence, this variant is interpreted as a disease-causing mutation.

Labcorp Genetics (formerly Invitae), Labcorp
Classification: Pathogenic for Gastrointestinal stromal tumor. Last evaluated: 2023-11-23. Review status: criteria provided, single submitter. Criteria: Invitae Variant Classification Sherloc (09022015). Collection method: clinical testing. Allele origin: germline.
Comment: This sequence change replaces aspartic acid, which is acidic and polar, with tyrosine, which is neutral and polar, at codon 820 of the KIT protein (p.Asp820Tyr). This variant is not present in population databases (gnomAD no frequency). This missense change has been observed in individuals with gastrointestinal stromal tumor syndrome (PMID: 11984533, 16327443, 19847891). It has also been observed to segregate with disease in related individuals. ClinVar contains an entry for this variant (Variation ID: 375928). An algorithm developed to predict the effect of missense changes on protein structure and function (PolyPhen-2) suggests that this variant is likely to be disruptive. For these reasons, this variant has been classified as Pathogenic.

Literature cited by the submitters: PubMed 11984533 (cited by 3 submitters); PubMed 16327443 (cited by 3 submitters); PubMed 19847891 (cited by 3 submitters); PubMed 18098338 (cited by Department of Clinical Genetics, Copenhagen University Hospital, Rigshospitalet); PubMed 28314314 (cited by Ambry Genetics); PubMed 32146645 (cited by Ambry Genetics).